The following is an entry in ClinVar:

ClinVar aggregate classification (germline): Uncertain significance (1 of 4 stars; one submission).

Conditions:
Aortic aneurysm, familial thoracic 7 (AAT7). Also called: AORTIC DISSECTION, FAMILIAL, WITH OR WITHOUT AORTIC ANEURYSM. Identifiers: MedGen C3151077, MONDO:0013418, OMIM 613780.

gnomAD v4.1: 1 of 1,613,690 alleles (0.000062%); highest among the groups gnomAD compares: South Asian, 0.0011%; no homozygotes.

Submission:

Labcorp Genetics (formerly Invitae), Labcorp
Classification: Uncertain significance for Aortic aneurysm, familial thoracic 7. Last evaluated: 2018-06-12. Review status: criteria provided, single submitter. Criteria: Invitae Variant Classification Sherloc (09022015). Collection method: clinical testing. Allele origin: germline.
Comment: This sequence change affects a donor splice site in intron 12 of the MYLK gene. It is expected to disrupt RNA splicing and likely results in an absent or disrupted protein product. This variant is not present in population databases (ExAC no frequency). This variant has not been reported in the literature in individuals with MYLK-related disease. Algorithms developed to predict the effect of sequence changes on RNA splicing suggest that this variant may disrupt the consensus splice site, but this prediction has not been confirmed by published transcriptional studies. In summary, the available evidence is currently insufficient to determine the role of this variant in disease. Therefore, it has been classified as a Variant of Uncertain Significance. This variant occurs in the long isoform of MYLK (PMID: 21055718). The current clinical and genetic evidence is not sufficient to establish whether loss-of-function variants in the long isoform of MYLK cause disease.

Literature cited by the submitters: PubMed 21055718.

NM_053025.4(MYLK):c.1651+1G>A

Gene: MYLK (myosin light chain kinase; minus strand). Cytogenetic location: 3q21.1.
Variant type: single nucleotide variant.
Coding change: c.1651+1G>A on transcript NM_053025.4 (MANE Select); the canonical splice donor site of the intron after coding-DNA position 1651, G replaced by A.
Molecular consequence: splice donor variant.
Genome position (GRCh38, 1-based): chr3:123,725,943, C>T on the plus strand (G>A on the coding strand, the complement: MYLK is on the minus strand). VCF-style: chr3-123725943-C-T. GRCh37 (hg19) VCF-style: chr3-123444790-C-T.
Other names: c.1123+1G>A (NM_001321309.2); c.1444+1G>A (NM_053028.4, NM_053026.4); c.1651+1G>A (NM_053027.4).
Identifiers: ClinVar variation 580476 (VCV000580476.9), dbSNP rs1560135856, ClinGen allele CA354235537.